The following is an entry in ClinVar:

ClinVar aggregate classification (germline): Uncertain significance (1 of 4 stars; one submission).

Conditions:
Atrial septal defect 5 (ASD5). Identifiers: Orphanet 1478, MedGen C2748552, MONDO:0013011, OMIM 612794.
Dilated cardiomyopathy 1R (CMD1R). Identifiers: Orphanet 154, Orphanet 54260, MedGen C3150681, MONDO:0013261, OMIM 613424.
Hypertrophic cardiomyopathy 11. Also called: ACTC1-Related Familial Hypertrophic Cardiomyopathy. Identifiers: MedGen C2677506, MONDO:0012799, OMIM 612098.

Submission:

Labcorp Genetics (formerly Invitae), Labcorp
Classification: Uncertain significance for Dilated cardiomyopathy 1R; Hypertrophic cardiomyopathy 11; Atrial septal defect 5. Last evaluated: 2024-01-17. Review status: criteria provided, single submitter. Criteria: Invitae Variant Classification Sherloc (09022015). Collection method: clinical testing. Allele origin: germline.
Comment: This sequence change affects codon 330 of the ACTC1 mRNA. It is a 'silent' change, meaning that it does not change the encoded amino acid sequence of the ACTC1 protein. This variant also falls at the last nucleotide of exon 6, which is part of the consensus splice site for this exon. This variant is not present in population databases (gnomAD no frequency). This variant has been observed in individual(s) with clinical features of dilated cardiomyopathy (Invitae). Variants that disrupt the consensus splice site are a relatively common cause of aberrant splicing (PMID: 17576681, 9536098). Algorithms developed to predict the effect of sequence changes on RNA splicing suggest that this variant may disrupt the consensus splice site. In summary, the available evidence is currently insufficient to determine the role of this variant in disease. Therefore, it has been classified as a Variant of Uncertain Significance.

Literature cited by the submitters: PubMed 17576681; PubMed 9536098.

NM_005159.5(ACTC1):c.990G>A (p.Lys330=)

Genes: ACTC1 (actin alpha cardiac muscle 1; minus strand), GJD2-DT (GJD2 divergent transcript; plus strand). Cytogenetic location: 15q14.
Variant type: single nucleotide variant.
Coding change: c.990G>A on transcript NM_005159.5 (MANE Select); coding-DNA position 990, G replaced by A.
Protein change: p.Lys330=; no amino-acid change (lysine 330 retained).
Molecular consequence: synonymous variant.
Genome position (GRCh38, 1-based): chr15:34,791,114, C>T on the plus strand (G>A on the coding strand, the complement: ACTC1 is on the minus strand). VCF-style: chr15-34791114-C-T. GRCh37 (hg19) VCF-style: chr15-35083315-C-T.
Other names: c.990G>A, p.Lys330= (NM_001406482.1, NM_001406483.1); c.855G>A, p.Lys285= (NM_001406484.1); c.549G>A, p.Lys183= (NM_001406485.1).
Identifiers: ClinVar variation 2922253 (VCV002922253.3), dbSNP rs2504177206, ClinGen allele CA489418357.